The following is an entry in ClinVar:

NM_001388303.1(HECTD4):c.11787C>A (p.Asn3929Lys)

Gene: HECTD4 (HECT domain E3 ubiquitin protein ligase 4; minus strand). Cytogenetic location: 12q24.13.
Variant type: single nucleotide variant.
Coding change: c.11787C>A on transcript NM_001388303.1 (MANE Select); coding-DNA position 11787, C replaced by A.
Protein change: p.Asn3929Lys; replaces asparagine 3929 with lysine.
Molecular consequence: missense variant.
Genome position (GRCh38, 1-based): chr12:112,171,262, G>T on the plus strand (C>A on the coding strand, the complement: HECTD4 is on the minus strand). VCF-style: chr12-112171262-G-T. GRCh37 (hg19) VCF-style: chr12-112609066-G-T.
Other names: c.11817C>A, p.Asn3939Lys (NM_001109662.4); short protein forms N3929K, N3939K.
Identifiers: ClinVar variation 3354580 (VCV003354580.1).
Genomic context (GRCh38, chr12:112,171,262, plus strand): 5'-CAGTGTGGTGTTGAGGGACTGCAGCAAGGCGAAGCGCAGGCGCAGGCTCTCGATGGGCAC[G>T]TCTGAGGGCGCAGGAGCAGTCAGGCTGAGATCTCGGCCAGGTGGCTGAGATGCCTGACTC-3'
Protein context (NP_001375232.1, residues 3919-3939): AADPRVACLL[Asn3929Lys]VPIESLRLRF

ClinVar aggregate classification (germline): Uncertain significance (0 of 4 stars; one submission).

Conditions:
HECTD4-related disorder. Also called: HECTD4-related condition.

Submission:

PreventionGenetics, part of Exact Sciences
Classification: Uncertain significance for HECTD4-related condition. Last evaluated: 2024-03-07. Review status: no assertion criteria provided. Collection method: clinical testing. Allele origin: germline.
Comment: The HECTD4 c.11385C>A variant is predicted to result in the amino acid substitution p.Asn3795Lys. To our knowledge, this variant has not been reported in the literature or in a large population database, indicating this variant is rare. At this time, the clinical significance of this variant is uncertain due to the absence of conclusive functional and genetic evidence.